The following is an entry in ClinVar:

NM_000179.3(MSH6):c.2614A>G (p.Ile872Val)

Gene: MSH6 (mutS homolog 6; plus strand). Cytogenetic location: 2p16.3.
Variant type: single nucleotide variant.
Coding change: c.2614A>G on transcript NM_000179.3 (MANE Select); coding-DNA position 2614, A replaced by G.
Protein change: p.Ile872Val; replaces isoleucine 872 with valine.
Molecular consequence: missense variant.
Genome position (GRCh38, 1-based): chr2:47,800,597, A>G. VCF-style: chr2-47800597-A-G. GRCh37 (hg19) VCF-style: chr2-48027736-A-G.
Other names: c.2224A>G, p.Ile742Val (NM_001281492.2); c.1708A>G, p.Ile570Val (NM_001281493.2, NM_001281494.2); short protein forms I872V, I742V, I570V.
Identifiers: ClinVar variation 410521 (VCV000410521.20), dbSNP rs1060502939, ClinGen allele CA16611154.
Genomic context (GRCh38, chr2:47,800,597, plus strand): 5'-AAGAAGAAGATTATTGATTTTCTTTCTGCTCTGGAAGGATTCAAAGTAATGTGTAAAATT[A>G]TAGGGATCATGGAAGAAGTTGCTGATGGTTTTAAGTCTAAAATCCTTAAGCAGGTCATCT-3'
Protein context (NP_000170.1, residues 862-882): LEGFKVMCKI[Ile872Val]GIMEEVADGF

ClinVar aggregate classification (germline): Conflicting classifications of pathogenicity. Review status: criteria provided, conflicting classifications (1 of 4 stars). 6 submissions from 6 submitters: Uncertain significance (5); Likely benign (1). Last evaluated 2025-09-24.

Conditions:
Lynch syndrome. Identifiers: Orphanet 144, MedGen C4552100, MONDO:0005835. Disease mechanism: loss of function.
Hereditary cancer-predisposing syndrome. Also called: Hereditary neoplastic syndrome; Tumor predisposition; Hereditary Cancer Syndrome; Neoplastic Syndromes, Hereditary. Identifiers: Orphanet 140162, MedGen C0027672, MeSH D009386, MONDO:0015356.
Hereditary nonpolyposis colorectal neoplasms. Identifiers: MedGen C0009405, MeSH D003123.

Allele frequency attached by ClinVar (database versions not stated): gnomAD exomes below 0.00001; TOPMed below 0.00001.
gnomAD v4.1: 7 of 1,614,152 alleles (0.00043%); highest among the groups gnomAD compares: African/African-American, 0.0013%; no homozygotes.

Submissions (6):

GeneDx
Classification: Uncertain significance. Last evaluated: 2025-09-24. Review status: criteria provided, single submitter. Criteria: GeneDx Variant Classification Process June 2021. Collection method: clinical testing. Allele origin: germline.
Comment: Not observed at significant frequency in large population cohorts (gnomAD); In silico analysis suggests that this missense variant does not alter protein structure/function; Has not been previously published as pathogenic or benign to our knowledge; This variant is associated with the following publications: (PMID: 23621914, 17531815, 21120944)

Labcorp Genetics (formerly Invitae), Labcorp
Classification: Likely benign for Hereditary nonpolyposis colorectal neoplasms. Last evaluated: 2025-03-18. Review status: criteria provided, single submitter. Criteria: Invitae Variant Classification Sherloc (09022015). Collection method: clinical testing. Allele origin: germline.

Color Diagnostics, LLC DBA Color Health
Classification: Uncertain significance for Hereditary cancer-predisposing syndrome. Last evaluated: 2024-09-23. Review status: criteria provided, single submitter. Criteria: ACMG Guidelines, 2015. Collection method: clinical testing. Allele origin: germline.
Comment: This missense variant replaces isoleucine with valine at codon 872 of the MSH6 protein. Computational prediction suggests that this variant may not impact protein structure and function (internally defined REVEL score threshold <= 0.5, PMID: 27666373). To our knowledge, functional studies have not been reported for this variant. This variant has not been reported in individuals affected with MSH6-related disorders in the literature. This variant has been identified in 1/250062 chromosomes in the general population by the Genome Aggregation Database (gnomAD). The available evidence is insufficient to determine the role of this variant in disease conclusively. Therefore, this variant is classified as a Variant of Uncertain Significance.

All of Us Research Program, National Institutes of Health
Classification: Uncertain significance for Lynch syndrome. Last evaluated: 2024-07-10. Review status: criteria provided, single submitter. Criteria: ACMG Guidelines, 2015. Collection method: clinical testing. Allele origin: germline. Inheritance: Autosomal dominant inheritance. Observed: 3 variant alleles, 3 heterozygotes.
Comment: This missense variant replaces isoleucine with valine at codon 872 of the MSH6 protein. Computational prediction suggests that this variant may not impact protein structure and function (internally defined REVEL score threshold <= 0.5, PMID: 27666373). To our knowledge, functional studies have not been reported for this variant. This variant has not been reported in individuals affected with MSH6-related disorders in the literature. This variant has been identified in 1/250062 chromosomes in the general population by the Genome Aggregation Database (gnomAD). The available evidence is insufficient to determine the role of this variant in disease conclusively. Therefore, this variant is classified as a Variant of Uncertain Significance.

This study involves interpretation of variants in research participants for the purpose of population health screening. Participant phenotype was not available at the time of variant classification. Additional details can be found in publication PMID: 35346344, PMCID: PMC8962531

Ambry Genetics
Classification: Uncertain significance for Hereditary cancer-predisposing syndrome. Last evaluated: 2024-02-01. Review status: criteria provided, single submitter. Criteria: Ambry Variant Classification Scheme 2023. Collection method: clinical testing. Allele origin: germline.
Comment: The p.I872V variant (also known as c.2614A>G), located in coding exon 4 of the MSH6 gene, results from an A to G substitution at nucleotide position 2614. The isoleucine at codon 872 is replaced by valine, an amino acid with highly similar properties. This amino acid position is not well conserved in available vertebrate species. In addition, this alteration is predicted to be tolerated by in silico analysis. Based on the available evidence, the clinical significance of this alteration remains unclear.

Quest Diagnostics Nichols Institute San Juan Capistrano
Classification: Uncertain significance. Last evaluated: 2017-10-03. Review status: criteria provided, single submitter. Criteria: Quest Diagnostics criteria. Collection method: clinical testing. Allele origin: germline.